The following is an entry in ClinVar:

NM_002971.6(SATB1):c.1779+682G>A

Gene: SATB1 (SATB homeobox 1; minus strand). Cytogenetic location: 3p24.3.
Variant type: single nucleotide variant.
Coding change: c.1779+682G>A on transcript NM_002971.6 (MANE Select); 682 bases into the intron after coding-DNA position 1779, G replaced by A.
Molecular consequence: intron variant.
Genome position (GRCh38, 1-based): chr3:18,351,310, C>T on the plus strand (G>A on the coding strand, the complement: SATB1 is on the minus strand). VCF-style: chr3-18351310-C-T. GRCh37 (hg19) VCF-style: chr3-18392802-C-T.
Other names: c.1779+682G>A (NM_001322874.2, NM_001322872.2, NM_001322873.2 and 2 more transcripts); c.1563+682G>A (NM_001322876.2); c.1875+3G>A (NM_001322871.2, NM_001195470.3).
Identifiers: ClinVar variation 4537638 (VCV004537638.1).

ClinVar aggregate classification (germline): Uncertain significance (1 of 4 stars; one submission).

Submission:

GeneDx
Classification: Uncertain significance. Last evaluated: 2025-06-12. Review status: criteria provided, single submitter. Criteria: GeneDx Variant Classification Process June 2021. Collection method: clinical testing. Allele origin: germline. Affected: yes.
Comment: Not observed at significant frequency in large population cohorts (gnomAD); In silico analysis suggests that this variant does not alter splicing; Has not been previously published as pathogenic or benign to our knowledge.